The following is an entry in ClinVar:

ClinVar aggregate classification (germline): Uncertain significance (1 of 4 stars; one submission).

gnomAD v4.1: 4 of 1,614,186 alleles (0.00025%); highest among the groups gnomAD compares: Middle Eastern, 0.017%; no homozygotes.

Submission:

Labcorp Genetics (formerly Invitae), Labcorp
Classification: Uncertain significance. Last evaluated: 2020-01-10. Review status: criteria provided, single submitter. Criteria: Invitae Variant Classification Sherloc (09022015). Collection method: clinical testing. Allele origin: germline.
Comment: This sequence change replaces lysine with asparagine at codon 12 of the ZNF408 protein (p.Lys12Asn). The lysine residue is weakly conserved and there is a moderate physicochemical difference between lysine and asparagine. Experimental studies and prediction algorithms are not available or were not evaluated, and the functional significance of this variant is currently unknown. In summary, the available evidence is currently insufficient to determine the role of this variant in disease. Therefore, it has been classified as a Variant of Uncertain Significance. This variant is not present in population databases (ExAC no frequency). This variant has not been reported in the literature in individuals with ZNF408-related conditions.

NM_024741.3(ZNF408):c.36G>C (p.Lys12Asn)

Genes: ZNF408 (zinc finger protein 408; plus strand), LOC130005659 (ATAC-STARR-seq lymphoblastoid active region 4684; plus strand). Cytogenetic location: 11p11.2.
Variant type: single nucleotide variant.
Coding change: c.36G>C on transcript NM_024741.3 (MANE Select); coding-DNA position 36, G replaced by C.
Protein change: p.Lys12Asn; replaces lysine 12 with asparagine.
Molecular consequence: missense variant. On other transcripts: 5 prime UTR variant (1).
Genome position (GRCh38, 1-based): chr11:46,701,083, G>C. VCF-style: chr11-46701083-G-C. GRCh37 (hg19) VCF-style: chr11-46722633-G-C.
Other names: c.-31G>C (NM_001184751.2); short protein forms K12N.
Identifiers: ClinVar variation 1009302 (VCV001009302.10), dbSNP rs1022528700, ClinGen allele CA380251378.
Genomic context (GRCh38, chr11:46,701,083, plus strand): 5'-GCGTAGGGAGGCTTTCTGACCCGGAATGGAGGAGGCGGAGGAGCTGCTCTTGGAGGGGAA[G>C]AAGGCGCTGCAACTCGGTGAGTGACCTGCGATGTCCGCGACCCTCAACCTTGGCCCAGGT-3'
Protein context (NP_079017.1, residues 2-22): EEAEELLLEG[Lys12Asn]KALQLAREPR